The following is an entry in ClinVar:

ClinVar aggregate classification (germline): Benign (3 of 4 stars; one submission).

Conditions:
Breast-ovarian cancer, familial, susceptibility to, 2 (BROVCA2). Also called: BRCA2 Hereditary Breast and Ovarian Cancer. Identifiers: Orphanet 145, MedGen C2675520, MONDO:0012933, OMIM 612555. Disease mechanism: loss of function.

Allele frequency attached by ClinVar (database versions not stated): 1000 Genomes Project 0.00958; 1000 Genomes Project 30x 0.01046; gnomAD 0.01139 and 0.01229; TOPMed 0.01348.
gnomAD v4.1: 1,707 of 152,066 alleles (1.1%); highest among the groups gnomAD compares: African/African-American, 3.9%; 35 homozygotes.

Submission:

Evidence-based Network for the Interpretation of Germline Mutant Alleles (ENIGMA)
Classification: Benign for Breast-ovarian cancer, familial 2. Last evaluated: 2015-01-12. Review status: reviewed by expert panel. Criteria: ENIGMA BRCA1/2 Classification Criteria (2015). Collection method: curation. Allele origin: germline.
Comment: Class 1 not pathogenic based on frequency >1% in an outbred sampleset. Frequency 0.03049 (African), derived from 1000 genomes (2012-04-30).

NM_000059.4(BRCA2):c.68-545C>T

Gene: BRCA2 (BRCA2 DNA repair associated; plus strand). Cytogenetic location: 13q13.1.
Variant type: single nucleotide variant.
Coding change: c.68-545C>T on transcript NM_000059.4 (MANE Select); 545 bases into the intron before coding-DNA position 68, C replaced by T.
Molecular consequence: intron variant.
Genome position (GRCh38, 1-based): chr13:32,318,532, C>T. VCF-style: chr13-32318532-C-T. GRCh37 (hg19) VCF-style: chr13-32892669-C-T.
Other names: IVS 2-545C>T.
Identifiers: ClinVar variation 209613 (VCV000209613.1), dbSNP rs142569349, ClinGen allele CA276582.
Genomic context (GRCh38, chr13:32,318,532, plus strand): 5'-TGCTCTGTTGCCCAGGCTGGAATGCAGTGGCGTGATCTCGGCTCACTGCAACCACCGCCT[C>T]CTGGGTTCAAGTGATTCTCCTGTGGCAGCCTCCGGAGTAGCTGGGACTACAGGCGTGTGC-3'